The following is an entry in ClinVar:

ClinVar aggregate classification (germline): Conflicting classifications of pathogenicity. Review status: criteria provided, conflicting classifications (1 of 4 stars). 17 submissions from 17 submitters: Uncertain significance (2); Benign (4); Likely benign (8). 3 of the submissions do not count toward it. Last evaluated 2026-06-25.

Conditions:
BRCA2-related disorder. Also called: BRCA2-related condition; BRCA2-related disorders. Identifiers: MedGen CN239275.
Hereditary cancer-predisposing syndrome. Also called: Neoplastic Syndromes, Hereditary; Tumor predisposition; Hereditary Cancer Syndrome; Hereditary neoplastic syndrome. Identifiers: Orphanet 140162, MedGen C0027672, MeSH D009386, MONDO:0015356.
Hereditary breast ovarian cancer syndrome. Also called: Hereditary breast and ovarian cancer; Breast and ovarian cancer; Hereditary breast and/or ovarian cancer syndrome; Hereditary breast and ovarian cancer syndrome (HBOC); Hereditary breast and ovarian cancer syndrome; BRCA1- and BRCA2-Associated Hereditary Breast and Ovarian Cancer. Identifiers: Orphanet 145, MedGen C0677776, MeSH D061325, MONDO:0003582. Disease mechanism: loss of function.
Breast-ovarian cancer, familial, susceptibility to, 2 (BROVCA2). Also called: BRCA2 Hereditary Breast and Ovarian Cancer. Identifiers: Orphanet 145, MedGen C2675520, MONDO:0012933, OMIM 612555. Disease mechanism: loss of function.

Allele frequency attached by ClinVar (database versions not stated): ExAC 0.00002; gnomAD exomes 0.00002 and 0.00005; 1000 Genomes Project 30x 0.00016; gnomAD 0.00019 and 0.00020; 1000 Genomes Project 0.00020; TOPMed 0.00022; ESP Exome Variant Server 0.00023.

Submissions (17):

Women's Health and Genetics/Laboratory Corporation of America, LabCorp
Classification: Likely benign. Last evaluated: 2026-06-25. Review status: criteria provided, single submitter. Criteria: LabCorp Variant Classification Summary - May 2015. Collection method: clinical testing. Allele origin: germline.
Comment: Variant summary: BRCA2 c.2589T>A (p.Asn863Lys) results in a non-conservative amino acid change in the encoded protein sequence. Algorithms developed to predict the effect of missense changes on protein structure and function are either unavailable or do not agree on the potential impact of this missense change. The variant allele was found at a frequency of 4.8e-05 in 227084 control chromosomes, predominantly at a frequency of 0.0007 within the African or African-American subpopulation in the gnomAD database. This frequency is slightly lower than estimated for disease-causing variants in BRCA2. In addition, the variant was reported in 3 / 2559 women of African ancestry who were older than 70 years of age and never had cancer (FLOSSIES database). c.2589T>A has been observed in individuals affected with breast cancer, without strong evidence of causality (example: Pal_2015, Pereira_2022, Guindalini_2022, McDonald_2022). These reports do not provide unequivocal conclusions about association of the variant with disease. To our knowledge, no experimental evidence demonstrating an impact on protein function has been reported. The following publications have been ascertained in the context of this evaluation (PMID: 31294896, 35264596, 25348012, 36315513, 26287763, 35980532). ClinVar contains an entry for this variant (Variation ID: 37794). Based on the evidence outlined above, the variant was classified as likely benign.

Labcorp Genetics (formerly Invitae), Labcorp
Classification: Likely benign for Hereditary breast ovarian cancer syndrome. Last evaluated: 2026-01-13. Review status: criteria provided, single submitter. Criteria: Invitae Variant Classification Sherloc (09022015). Collection method: clinical testing. Allele origin: germline.

Mayo Clinic Laboratories, Mayo Clinic
Classification: Benign. Last evaluated: 2025-10-06. Review status: criteria provided, single submitter. Criteria: ACMG Guidelines, 2015. Collection method: clinical testing. Allele origin: germline. Observed: 1 variant allele.
Comment: BS1, BP1_strong

CeGaT Center for Human Genetics Tuebingen
Classification: Likely benign. Last evaluated: 2025-06-01. Review status: criteria provided, single submitter. Criteria: CeGaT Center For Human Genetics Tuebingen Variant Classification Criteria Version 2. Collection method: clinical testing. Allele origin: germline. Affected: yes. Observed: 1 variant allele.
Comment: BRCA2: BP4, BS1

ARUP Laboratories, Molecular Genetics and Genomics, ARUP Laboratories
Classification: Benign. Last evaluated: 2024-06-05. Review status: criteria provided, single submitter. Criteria: ARUP Molecular Germline Variant Investigation Process 2024. Collection method: clinical testing. Allele origin: germline.

University of Washington Department of Laboratory Medicine, University of Washington
Classification: Likely benign for Hereditary cancer-predisposing syndrome. Last evaluated: 2023-03-23. Review status: criteria provided, single submitter. Criteria: Dines et al. (Genet Med. 2020). Collection method: curation. Allele origin: germline.
Comment: Missense variant in a coldspot region where missense variants are very unlikely to be pathogenic (PMID:31911673).

BRCA2 exon 11 coldspot. Reclassification based on statistical prior probability.

Quest Diagnostics Nichols Institute San Juan Capistrano
Classification: Likely benign. Last evaluated: 2023-01-02. Review status: criteria provided, single submitter. Criteria: Quest Diagnostics criteria. Collection method: clinical testing. Allele origin: unknown.

Blueprint Genetics
Classification: Likely benign. Last evaluated: 2022-07-12. Review status: criteria provided, single submitter. Criteria: ACMG Guidelines, 2015. Collection method: clinical testing. Allele origin: germline.

Sema4
Classification: Uncertain significance for Hereditary cancer-predisposing syndrome. Last evaluated: 2021-09-01. Review status: criteria provided, single submitter. Criteria: Sema4 Curation Guidelines. Collection method: curation. Allele origin: germline.
Comment: The BRCA2 c.2589T>A (p.N863K) variant has been reported in at least one individual with breast cancer (PMID: 26287763). It was observed in 15/24338 chromosomes of the African/African American subpopulation, including no homozygotes, in the large and broad cohorts of the Genome Aggregation Database (PMID: 32461654). The variant has been reported in ClinVar (Variation ID 37794). In silico tools suggest the impact of the variant on protein function is benign, though these predictions have not been confirmed by functional studies. The evidence is insufficient to meet ACMG/AMP criteria for classifying the variant as benign or pathogenic. Thus, the clinical significance of this variant is currently uncertain.

Genetic Services Laboratory, University of Chicago
Classification: Likely benign. Last evaluated: 2021-06-08. Review status: criteria provided, single submitter. Criteria: ACMG Guidelines, 2015. Collection method: clinical testing. Allele origin: germline. Affected: no.

GeneDx
Classification: Likely benign. Last evaluated: 2020-09-15. Review status: criteria provided, single submitter. Criteria: GeneDx Variant Classification Process June 2021. Collection method: clinical testing. Allele origin: germline. Affected: yes.
Comment: This variant is associated with the following publications: (PMID: 25348012, 27656653)

Mendelics
Classification: Uncertain significance for Hereditary breast and ovarian cancer syndrome. Last evaluated: 2018-07-02. Review status: criteria provided, single submitter. Criteria: Mendelics Assertion Criteria 2017. Collection method: clinical testing. Allele origin: unknown.

Color Diagnostics, LLC DBA Color Health
Classification: Benign for Hereditary cancer-predisposing syndrome. Last evaluated: 2016-04-18. Review status: criteria provided, single submitter. Criteria: ACMG Guidelines, 2015. Collection method: clinical testing. Allele origin: germline.

Ambry Genetics
Classification: Benign for Hereditary cancer-predisposing syndrome. Last evaluated: 2014-11-19. Review status: criteria provided, single submitter. Criteria: Ambry Variant Classification Scheme 2023. Collection method: clinical testing. Allele origin: germline.

PreventionGenetics, part of Exact Sciences
Classification: Likely benign for BRCA2-related condition. Last evaluated: 2023-11-21. Review status: no assertion criteria provided. Collection method: clinical testing. Allele origin: germline. Not counted in ClinVar's aggregate classification.
Comment: This variant is classified as likely benign based on ACMG/AMP sequence variant interpretation guidelines (Richards et al. 2015 PMID: 25741868, with internal and published modifications).

Sharing Clinical Reports Project (SCRP)
Classification: Benign for Breast-ovarian cancer, familial 2. Last evaluated: 2012-03-28. Review status: no assertion criteria provided. Collection method: clinical testing. Allele origin: germline. Not counted in ClinVar's aggregate classification.

Breast Cancer Information Core (BIC) (BRCA2)
Classification: Uncertain significance for Breast-ovarian cancer, familial 2. Last evaluated: 2004-02-20. Review status: no assertion criteria provided. Collection method: clinical testing. Allele origin: germline. Affected: yes. Observed: 3 variant alleles. Not counted in ClinVar's aggregate classification.

Literature cited by the submitters: PubMed 25348012 (cited by Women's Health and Genetics/Laboratory Corporation of America, LabCorp); PubMed 26287763 (cited by 3 submitters); PubMed 31294896 (cited by Women's Health and Genetics/Laboratory Corporation of America, LabCorp); PubMed 35264596 (cited by Women's Health and Genetics/Laboratory Corporation of America, LabCorp); PubMed 35980532 (cited by Women's Health and Genetics/Laboratory Corporation of America, LabCorp and Quest Diagnostics Nichols Institute San Juan Capistrano); PubMed 36315513 (cited by Women's Health and Genetics/Laboratory Corporation of America, LabCorp); PubMed 27656653 (cited by Quest Diagnostics Nichols Institute San Juan Capistrano).

NM_000059.4(BRCA2):c.2589T>A (p.Asn863Lys)

Gene: BRCA2 (BRCA2 DNA repair associated; plus strand). Cytogenetic location: 13q13.1.
Variant type: single nucleotide variant.
Coding change: c.2589T>A on transcript NM_000059.4 (MANE Select); coding-DNA position 2589, T replaced by A.
Protein change: p.Asn863Lys; replaces asparagine 863 with lysine.
Molecular consequence: missense variant.
Genome position (GRCh38, 1-based): chr13:32,336,944, T>A. VCF-style: chr13-32336944-T-A. GRCh37 (hg19) VCF-style: chr13-32911081-T-A.
Other names: p.Asn863Lys; 2817T>A; short protein forms N863K.
Identifiers: ClinVar variation 37794 (VCV000037794.44), dbSNP rs80358521, ClinGen allele CA015734.